The following is an entry in ClinVar:

ClinVar aggregate classification (germline): Uncertain significance. Review status: criteria provided, multiple submitters, no conflicts (2 of 4 stars). 3 submissions from 3 submitters: Uncertain significance (3). Last evaluated 2025-08-11.

Conditions:
Cardiovascular phenotype. Identifiers: MedGen CN230736.
Atrial fibrillation, familial, 14 (ATFB14). Identifiers: MedGen C3809312, MONDO:0014156, OMIM 615378.

Submissions (3):

Ambry Genetics
Classification: Uncertain significance for Cardiovascular phenotype. Last evaluated: 2025-08-11. Review status: criteria provided, single submitter. Criteria: Ambry Variant Classification Scheme 2023. Collection method: clinical testing. Allele origin: germline.

AiLife Diagnostics
Classification: Uncertain significance. Last evaluated: 2022-01-12. Review status: criteria provided, single submitter. Criteria: ACMG Guidelines, 2015. Collection method: clinical testing. Allele origin: germline. Affected: yes. Observed: 1 variant allele.

Labcorp Genetics (formerly Invitae), Labcorp
Classification: Uncertain significance for Atrial fibrillation, familial, 14. Last evaluated: 2020-01-27. Review status: criteria provided, single submitter. Criteria: Invitae Variant Classification Sherloc (09022015). Collection method: clinical testing. Allele origin: germline.
Comment: This sequence change replaces arginine with glycine at codon 98 of the SCN2B protein (p.Arg98Gly). The arginine residue is highly conserved and there is a moderate physicochemical difference between arginine and glycine. This variant is not present in population databases (ExAC no frequency) and has not been reported in the literature in individuals with a SCN2B-related disease. Algorithms developed to predict the effect of missense changes on protein structure and function (SIFT, PolyPhen-2, Align-GVGD) all suggest that this variant is likely to be disruptive, but these predictions have not been confirmed by published functional studies. In summary, this variant is a novel missense change with uncertain impact on protein function. It has been classified as a Variant of Uncertain Significance.

NM_004588.5(SCN2B):c.292C>G (p.Arg98Gly)

Gene: SCN2B (sodium voltage-gated channel beta subunit 2; minus strand). Cytogenetic location: 11q23.3.
Variant type: single nucleotide variant.
Coding change: c.292C>G on transcript NM_004588.5 (MANE Select); coding-DNA position 292, C replaced by G.
Protein change: p.Arg98Gly; replaces arginine 98 with glycine.
Molecular consequence: missense variant.
Genome position (GRCh38, 1-based): chr11:118,168,241, G>C on the plus strand (C>G on the coding strand, the complement: SCN2B is on the minus strand). VCF-style: chr11-118168241-G-C. GRCh37 (hg19) VCF-style: chr11-118038956-G-C.
Other names: short protein forms R98G.
Identifiers: ClinVar variation 408877 (VCV000408877.12), dbSNP rs771234231, ClinGen allele CA16613239.